The following is an entry in ClinVar:

ClinVar aggregate classification (germline): Likely benign. Review status: criteria provided, single submitter (1 of 4 stars). 2 submissions from 2 submitters: Likely benign (1). 1 of the submissions does not count toward it. Last evaluated 2023-09-09.

Conditions:
Progressive sclerosing poliodystrophy (MTDPS4A). Also called: ALPERS PROGRESSIVE INFANTILE POLIODYSTROPHY; NEURONAL DEGENERATION OF CHILDHOOD WITH LIVER DISEASE, PROGRESSIVE; Alpers Syndrome; ALPERS DIFFUSE DEGENERATION OF CEREBRAL GRAY MATTER WITH HEPATIC CIRRHOSIS; Alpers-Huttenlocher Syndrome; Mitochondrial DNA depletion syndrome 4A (Alpers type). Identifiers: Orphanet 726, MedGen C0205710, MONDO:0008758, OMIM 203700.
POLG-related disorder. Also called: POLG-Related Spectrum Disorders; POLG-related condition; POLG-Related Disorders. Identifiers: MedGen C4763519.

Submissions (2):

Labcorp Genetics (formerly Invitae), Labcorp
Classification: Likely benign for Progressive sclerosing poliodystrophy. Last evaluated: 2023-09-09. Review status: criteria provided, single submitter. Criteria: Invitae Variant Classification Sherloc (09022015). Collection method: clinical testing. Allele origin: germline.

PreventionGenetics, part of Exact Sciences
Classification: Likely benign for POLG-related condition. Last evaluated: 2023-02-15. Review status: no assertion criteria provided. Collection method: clinical testing. Allele origin: germline. Not counted in ClinVar's aggregate classification.
Comment: This variant is classified as likely benign based on ACMG/AMP sequence variant interpretation guidelines (Richards et al. 2015 PMID: 25741868, with internal and published modifications).

NM_002693.3(POLG):c.2734+9G>C

Gene: POLG (DNA polymerase gamma, catalytic subunit; minus strand). Cytogenetic location: 15q26.1.
Variant type: single nucleotide variant.
Coding change: c.2734+9G>C on transcript NM_002693.3 (MANE Select); 9 bases into the intron after coding-DNA position 2734, G replaced by C.
Molecular consequence: intron variant.
Genome position (GRCh38, 1-based): chr15:89,321,116, C>G on the plus strand (G>C on the coding strand, the complement: POLG is on the minus strand). VCF-style: chr15-89321116-C-G. GRCh37 (hg19) VCF-style: chr15-89864347-C-G.
Other names: c.2734+9G>C (NM_002693.2, NM_001126131.2).
Identifiers: ClinVar variation 2749852 (VCV002749852.5), dbSNP rs2509218702, ClinGen allele CA2697549289.